The following is an entry in ClinVar:

ClinVar aggregate classification (germline): Likely benign. Review status: criteria provided, multiple submitters, no conflicts (2 of 4 stars). 3 submissions from 3 submitters: Likely benign (3). Last evaluated 2026-01-06.

Conditions:
Arrhythmogenic right ventricular dysplasia 11. Also called: Arrhythmogenic Right Ventricular Dysplasia/Cardiomyopathy11; ARRHYTHMOGENIC RIGHT VENTRICULAR DYSPLASIA, FAMILIAL, 11; Arrhythmogenic right ventricular dysplasia 11 with mild palmoplantar keratoderma and woolly hair. Identifiers: MedGen C1864850, MONDO:0012506, OMIM 610476.

Allele frequency attached by ClinVar (database versions not stated): ExAC 0.00003; gnomAD exomes 0.00004 and 0.00006; gnomAD 0.00004; TOPMed 0.00006.
gnomAD v4.1: 94 of 1,613,836 alleles (0.0058%); highest among the groups gnomAD compares: Admixed American, 0.01%; no homozygotes.

Submissions (3):

Labcorp Genetics (formerly Invitae), Labcorp
Classification: Likely benign for Arrhythmogenic right ventricular dysplasia 11. Last evaluated: 2026-01-06. Review status: criteria provided, single submitter. Criteria: Invitae Variant Classification Sherloc (09022015). Collection method: clinical testing. Allele origin: germline.

Women's Health and Genetics/Laboratory Corporation of America, LabCorp
Classification: Likely benign. Last evaluated: 2024-12-12. Review status: criteria provided, single submitter. Criteria: LabCorp Variant Classification Summary - May 2015. Collection method: clinical testing. Allele origin: germline.

GeneDx
Classification: Likely benign. Last evaluated: 2015-12-17. Review status: criteria provided, single submitter. Criteria: GeneDx Variant Classification (06012015). Collection method: clinical testing. Allele origin: germline. Affected: yes.
Comment: This variant is considered likely benign or benign based on one or more of the following criteria: it is a conservative change, it occurs at a poorly conserved position in the protein, it is predicted to be benign by multiple in silico algorithms, and/or has population frequency not consistent with disease.

NM_024422.6(DSC2):c.2251-20G>A

Gene: DSC2 (desmocollin 2; minus strand). Cytogenetic location: 18q12.1.
Variant type: single nucleotide variant.
Coding change: c.2251-20G>A on transcript NM_024422.6 (MANE Select); 20 bases into the intron before coding-DNA position 2251, G replaced by A.
Molecular consequence: intron variant.
Genome position (GRCh38, 1-based): chr18:31,069,171, C>T on the plus strand (G>A on the coding strand, the complement: DSC2 is on the minus strand). VCF-style: chr18-31069171-C-T. GRCh37 (hg19) VCF-style: chr18-28649137-C-T.
Other names: c.2251-20G>A (NM_024422.4, NM_004949.5).
Identifiers: ClinVar variation 382352 (VCV000382352.10), dbSNP rs779900062, ClinGen allele CA035749.